The following is an entry in ClinVar:

NM_002460.4(IRF4):c.91C>G (p.Gln31Glu)

Gene: IRF4 (interferon regulatory factor 4; plus strand). Cytogenetic location: 6p25.3.
Variant type: single nucleotide variant.
Coding change: c.91C>G on transcript NM_002460.4 (MANE Select); coding-DNA position 91, C replaced by G.
Protein change: p.Gln31Glu; replaces glutamine 31 with glutamic acid.
Molecular consequence: missense variant. On other transcripts: non-coding transcript variant (1).
Genome position (GRCh38, 1-based): chr6:393,243, C>G. VCF-style: chr6-393243-C-G. GRCh37 (hg19) VCF-style: chr6-393243-C-G.
Other names: c.91C>G, p.Gln31Glu (NM_001195286.2); short protein forms Q31E.
Identifiers: ClinVar variation 1717885 (VCV001717885.5), dbSNP rs2480806143, ClinGen allele CA362546410.
Genomic context (GRCh38, chr6:393,243, plus strand): 5'-GAGTTCGGCATGAGCGCGGTGAGCTGCGGCAACGGGAAGCTCCGCCAGTGGCTGATCGAC[C>G]AGATCGACAGCGGCAAGTACCCCGGGCTGGTGTGGGAGAACGAGGAGAAGAGCATCTTCC-3'
Protein context (NP_002451.2, residues 21-41): NGKLRQWLID[Gln31Glu]IDSGKYPGLV

ClinVar aggregate classification (germline): Uncertain significance (1 of 4 stars; one submission).

Submission:

Labcorp Genetics (formerly Invitae), Labcorp
Classification: Uncertain significance. Last evaluated: 2022-08-23. Review status: criteria provided, single submitter. Criteria: Invitae Variant Classification Sherloc (09022015). Collection method: clinical testing. Allele origin: germline.
Comment: This variant is not present in population databases (gnomAD no frequency). In summary, the available evidence is currently insufficient to determine the role of this variant in disease. Therefore, it has been classified as a Variant of Uncertain Significance. Algorithms developed to predict the effect of missense changes on protein structure and function are either unavailable or do not agree on the potential impact of this missense change (SIFT: "Deleterious"; PolyPhen-2: "Probably Damaging"; Align-GVGD: "Class C0"). This variant has not been reported in the literature in individuals affected with IRF4-related conditions. This sequence change replaces glutamine, which is neutral and polar, with glutamic acid, which is acidic and polar, at codon 31 of the IRF4 protein (p.Gln31Glu).